The following is an entry in ClinVar:

NM_198586.3(NHLRC1):c.831G>C (p.Ala277=)

Gene: NHLRC1 (NHL repeat containing E3 ubiquitin protein ligase 1; minus strand). Cytogenetic location: 6p22.3.
Variant type: single nucleotide variant.
Coding change: c.831G>C on transcript NM_198586.3 (MANE Select); coding-DNA position 831, G replaced by C.
Protein change: p.Ala277=; no amino-acid change (alanine 277 retained).
Molecular consequence: synonymous variant.
Genome position (GRCh38, 1-based): chr6:18,121,776, C>G on the plus strand (G>C on the coding strand, the complement: NHLRC1 is on the minus strand). VCF-style: chr6-18121776-C-G. GRCh37 (hg19) VCF-style: chr6-18122007-C-G.
Identifiers: ClinVar variation 669053 (VCV000669053.9), dbSNP rs556216487, ClinGen allele CA3649921.

ClinVar aggregate classification (germline): Likely benign. Review status: criteria provided, multiple submitters, no conflicts (2 of 4 stars). 2 submissions from 2 submitters: Likely benign (2). Last evaluated 2024-04-17.

Conditions:
Lafora disease. Also called: Epilepsy progressive myoclonic 2; Progressive Myoclonus Epilepsy, Lafora Type. Identifiers: Orphanet 501, MedGen C0751783, MONDO:0009697.

Allele frequency attached by ClinVar (database versions not stated): TOPMed 0.00001.

Submissions (2):

Labcorp Genetics (formerly Invitae), Labcorp
Classification: Likely benign for Lafora disease. Last evaluated: 2024-04-17. Review status: criteria provided, single submitter. Criteria: Invitae Variant Classification Sherloc (09022015). Collection method: clinical testing. Allele origin: germline.

GeneDx
Classification: Likely benign. Last evaluated: 2018-06-01. Review status: criteria provided, single submitter. Criteria: GeneDx Variant Classification (06012015). Collection method: clinical testing. Allele origin: germline. Affected: yes.
Comment: This variant is considered likely benign or benign based on one or more of the following criteria: it is a conservative change, it occurs at a poorly conserved position in the protein, it is predicted to be benign by multiple in silico algorithms, and/or has population frequency not consistent with disease.